The following is an entry in ClinVar:

ClinVar aggregate classification (germline): Uncertain significance (1 of 4 stars; one submission).

gnomAD v4.1: 4 of 1,613,102 alleles (0.00025%); highest among the groups gnomAD compares: Non-Finnish European, 0.00034%; no homozygotes.

Submission:

Labcorp Genetics (formerly Invitae), Labcorp
Classification: Uncertain significance. Last evaluated: 2025-12-27. Review status: criteria provided, single submitter. Criteria: Invitae Variant Classification Sherloc (09022015). Collection method: clinical testing. Allele origin: germline.
Comment: This sequence change replaces arginine, which is basic and polar, with glycine, which is neutral and non-polar, at codon 985 of the ITPR1 protein (p.Arg985Gly). This variant is not present in population databases (gnomAD no frequency). This variant has not been reported in the literature in individuals affected with ITPR1-related conditions. Invitae Evidence Modeling of protein sequence and biophysical properties (such as structural, functional, and spatial information, amino acid conservation, physicochemical variation, residue mobility, and thermodynamic stability) indicates that this missense variant is not expected to disrupt ITPR1 protein function with a negative predictive value of 95%. Algorithms developed to predict the effect of sequence changes on RNA splicing suggest that this variant may disrupt the consensus splice site. In summary, the available evidence is currently insufficient to determine the role of this variant in disease. Therefore, it has been classified as a Variant of Uncertain Significance.

NM_001378452.1(ITPR1):c.3025C>G (p.Arg1009Gly)

Gene: ITPR1 (inositol 1,4,5-trisphosphate receptor type 1; plus strand). Cytogenetic location: 3p26.1.
Variant type: single nucleotide variant.
Coding change: c.3025C>G on transcript NM_001378452.1 (MANE Select); coding-DNA position 3025, C replaced by G.
Protein change: p.Arg1009Gly; replaces arginine 1009 with glycine.
Molecular consequence: missense variant.
Genome position (GRCh38, 1-based): chr3:4,680,610, C>G. VCF-style: chr3-4680610-C-G. GRCh37 (hg19) VCF-style: chr3-4722294-C-G.
Other names: c.2998C>G, p.Arg1000Gly (NM_001099952.4); c.2980C>G, p.Arg994Gly (NM_001168272.2); c.2953C>G, p.Arg985Gly (NM_002222.7); short protein forms R985G, R1000G, R1009G, R994G.
Identifiers: ClinVar variation 4696547 (VCV004696547.1).